The following is an entry in ClinVar:

ClinVar aggregate classification (germline): Uncertain significance (1 of 4 stars; one submission).

Submission:

Ambry Genetics
Classification: Uncertain significance. Last evaluated: 2025-07-12. Review status: criteria provided, single submitter. Criteria: Ambry Variant Classification Scheme 2023. Collection method: clinical testing. Allele origin: germline.
Comment: The p.Y161H variant (also known as c.481T>C), located in coding exon 1 of the CDK12 gene, results from a T to C substitution at nucleotide position 481. The tyrosine at codon 161 is replaced by histidine, an amino acid with similar properties. This amino acid position is conserved. In addition, this alteration is predicted to be tolerated by in silico analysis. Based on the available evidence, the clinical significance of this variant remains unclear.

NM_016507.4(CDK12):c.481T>C (p.Tyr161His)

Genes: CDK12 (cyclin dependent kinase 12; plus strand), LOC126862553 (CDK7 strongly-dependent group 2 enhancer GRCh37_chr17:37618166-37619365; plus strand). Cytogenetic location: 17q12.
Variant type: single nucleotide variant.
Coding change: c.481T>C on transcript NM_016507.4 (MANE Select); coding-DNA position 481, T replaced by C.
Protein change: p.Tyr161His; replaces tyrosine 161 with histidine.
Molecular consequence: missense variant.
Genome position (GRCh38, 1-based): chr17:39,462,552, T>C. VCF-style: chr17-39462552-T-C. GRCh37 (hg19) VCF-style: chr17-37618805-T-C.
Other names: c.481T>C, p.Tyr161His (NM_015083.4); short protein forms Y161H.
Identifiers: ClinVar variation 4224279 (VCV004224279.1).
Genomic context (GRCh38, chr17:39,462,552, plus strand): 5'-GGATCGATGAAGGACCGGATATCGGGAAGTTCAAAGCGTTCGAATGAGGAGACTGATGAC[T>C]ATGGGAAGGCGCAGGTAGCCAAAAGCAGCAGCAAGGAATCCAGGTCATCCAAGCTCCACA-3'
Protein context (NP_057591.2, residues 151-171): SKRSNEETDD[Tyr161His]GKAQVAKSSS